The following is an entry in ClinVar:

ClinVar aggregate classification (germline): Likely pathogenic (1 of 4 stars; one submission).

Conditions:
Hereditary hyperekplexia. Identifiers: Orphanet 3197, MedGen C4084968, MONDO:0021022.

gnomAD v4.1: 2 of 1,570,342 alleles (0.00013%); highest among the groups gnomAD compares: South Asian, 0.0022%; no homozygotes.

Submission:

Labcorp Genetics (formerly Invitae), Labcorp
Classification: Likely pathogenic for Hereditary hyperekplexia. Last evaluated: 2025-12-28. Review status: criteria provided, single submitter. Criteria: Invitae Variant Classification Sherloc (09022015). Collection method: clinical testing. Allele origin: germline.
Comment: This sequence change affects a donor splice site in intron 1 of the GLRA1 gene. It is expected to disrupt RNA splicing. Variants that disrupt the donor or acceptor splice site typically lead to a loss of protein function (PMID: 16199547), and loss-of-function variants in GLRA1 are known to be pathogenic (PMID: 20631190, 24108130). This variant is not present in population databases (gnomAD no frequency). This variant has not been reported in the literature in individuals affected with GLRA1-related conditions. Algorithms developed to predict the effect of sequence changes on RNA splicing suggest that this variant may disrupt the consensus splice site. In summary, the currently available evidence indicates that the variant is pathogenic, but additional data are needed to prove that conclusively. Therefore, this variant has been classified as Likely Pathogenic.

Literature cited by the submitters: PubMed 16199547; PubMed 20631190; PubMed 24108130.

NM_000171.4(GLRA1):c.56+1G>T

Gene: GLRA1 (glycine receptor alpha 1; minus strand). Cytogenetic location: 5q33.1.
Variant type: single nucleotide variant.
Coding change: c.56+1G>T on transcript NM_000171.4 (MANE Select); the canonical splice donor site of the intron after coding-DNA position 56, G replaced by T.
Molecular consequence: splice donor variant.
Genome position (GRCh38, 1-based): chr5:151,924,493, C>A on the plus strand (G>T on the coding strand, the complement: GLRA1 is on the minus strand). VCF-style: chr5-151924493-C-A. GRCh37 (hg19) VCF-style: chr5-151304054-C-A.
Other names: c.-66+1G>T (NM_001292000.2); c.56+1G>T (NM_001146040.2).
Identifiers: ClinVar variation 4759194 (VCV004759194.1).